The following is an entry in ClinVar:

ClinVar aggregate classification (germline): Uncertain significance (1 of 4 stars; one submission).

Conditions:
Inflammatory skin and bowel disease, neonatal, 1. Identifiers: Orphanet 294023, MedGen C3280501, MONDO:0013693, OMIM 614328.

Submission:

Labcorp Genetics (formerly Invitae), Labcorp
Classification: Uncertain significance for Inflammatory skin and bowel disease, neonatal, 1. Last evaluated: 2024-10-24. Review status: criteria provided, single submitter. Criteria: Invitae Variant Classification Sherloc (09022015). Collection method: clinical testing. Allele origin: germline.
Comment: This variant, c.738_740del, results in the deletion of 1 amino acid(s) of the ADAM17 protein (p.Thr248del), but otherwise preserves the integrity of the reading frame. This variant is present in population databases (rs777536319, gnomAD no frequency). This variant has not been reported in the literature in individuals affected with ADAM17-related conditions. ClinVar contains an entry for this variant (Variation ID: 1404978). Experimental studies and prediction algorithms are not available or were not evaluated, and the functional significance of this variant is currently unknown. In summary, the available evidence is currently insufficient to determine the role of this variant in disease. Therefore, it has been classified as a Variant of Uncertain Significance.

NM_003183.6(ADAM17):c.738_740del (p.Thr248del)

Gene: ADAM17 (ADAM metallopeptidase domain 17; minus strand). Cytogenetic location: 2p25.1.
Variant type: Deletion.
Coding change: c.738_740del on transcript NM_003183.6 (MANE Select); coding-DNA positions 738 to 740, 3 bases deleted (AAC; older notation c.738_740delAAC).
Protein change: p.Thr248del; deletes threonine 248.
Molecular consequence: inframe deletion. On other transcripts: 5 prime UTR variant (1).
Genome position (GRCh38, 1-based): chr2:9,526,124-9,526,126, GTT deleted on the plus strand (AAC on the coding strand, the reverse complement: ADAM17 is on the minus strand); deleting any 3 consecutive bases within chr2:9,526,124-9,526,128 gives the same sequence; the c. name uses the placement nearest the transcript's 3' end. VCF-style (leftmost placement, unchanged base first): chr2-9526123-AGTT-A. GRCh37 (hg19) VCF-style: chr2-9666252-AGTT-A.
Other names: c.78_80del, p.Thr28del (NM_001382777.1); c.-165_-163del (NM_001382778.1); short protein forms T248del, T28del.
Identifiers: ClinVar variation 1404978 (VCV001404978.5), dbSNP rs777536319, ClinGen allele CA1523693.